The following is an entry in ClinVar:

NM_014363.6(SACS):c.1139_1143del (p.Glu380fs)

Gene: SACS (sacsin molecular chaperone; minus strand). Cytogenetic location: 13q12.12.
Variant type: Deletion.
Coding change: c.1139_1143del on transcript NM_014363.6 (MANE Select); coding-DNA positions 1139 to 1143, 5 bases deleted (AAGAG; older notation c.1139_1143delAAGAG).
Protein change: p.Glu380fs; shifts the reading frame from glutamic acid 380.
Molecular consequence: frameshift variant.
Genome position (GRCh38, 1-based): chr13:23,355,469-23,355,473, CTCTT deleted on the plus strand (AAGAG on the coding strand, the reverse complement: SACS is on the minus strand); deleting any 5 consecutive bases within chr13:23,355,469-23,355,475 gives the same sequence; the c. name uses the placement nearest the transcript's 3' end. VCF-style (leftmost placement, unchanged base first): chr13-23355468-CCTCTT-C. GRCh37 (hg19) VCF-style: chr13-23929607-CCTCTT-C.
Other names: c.698_702del, p.Glu233fs (NM_001278055.2); short protein forms E380fs, E233fs.
Identifiers: ClinVar variation 2124187 (VCV002124187.5), dbSNP rs758456319, ClinGen allele CA6911963.
Genomic context (GRCh38, chr13:23,355,468, plus strand): 5'-CTCGCCCACCCACACTGTTACACACCAACCAAGATGTTTTCTGTGCATCCTTAGTACTCT[CCTCTT>C]CTAAAACAATATTTACGTGATATGTTACACAGGTGATGTTATTGCTTGGAGTCTTTTTAC-3'

ClinVar aggregate classification (germline): Pathogenic/Likely pathogenic. Review status: criteria provided, multiple submitters, no conflicts (2 of 4 stars). 2 submissions from 2 submitters: Pathogenic (1); Likely pathogenic (1). Last evaluated 2023-12-27.

Conditions:
Spastic paraplegia. Identifiers: MedGen C0037772, HP:0001258.
Charlevoix-Saguenay spastic ataxia (SACS). Also called: Spastic ataxia of Charlevoix-Saguenay; SPASTIC ATAXIA 6, AUTOSOMAL RECESSIVE; AUTOSOMAL RECESSIVE SPASTIC ATAXIA OF CHARLEVOIX-SAGUENAY. Identifiers: Orphanet 98, MedGen C1849140, MONDO:0010041, OMIM 270550.

Submissions (2):

Baylor Genetics
Classification: Likely pathogenic for Charlevoix-Saguenay spastic ataxia. Last evaluated: 2023-12-27. Review status: criteria provided, single submitter. Criteria: ACMG Guidelines, 2015. Collection method: clinical testing. Allele origin: unknown.

Labcorp Genetics (formerly Invitae), Labcorp
Classification: Pathogenic for Spastic paraplegia. Last evaluated: 2022-06-16. Review status: criteria provided, single submitter. Criteria: Invitae Variant Classification Sherloc (09022015). Collection method: clinical testing. Allele origin: germline.
Comment: For these reasons, this variant has been classified as Pathogenic. This variant has not been reported in the literature in individuals affected with SACS-related conditions. This variant is present in population databases (rs758456319, gnomAD 0.0009%). This sequence change creates a premature translational stop signal (p.Glu380Glyfs*4) in the SACS gene. It is expected to result in an absent or disrupted protein product. Loss-of-function variants in SACS are known to be pathogenic (PMID: 18465152, 20876471).

Literature cited by the submitters: PubMed 18465152 (cited by Labcorp Genetics (formerly Invitae), Labcorp); PubMed 20876471 (cited by Labcorp Genetics (formerly Invitae), Labcorp).